The following is an entry in ClinVar:

ClinVar aggregate classification (germline): Conflicting classifications of pathogenicity. Review status: criteria provided, conflicting classifications (1 of 4 stars). 4 submissions from 4 submitters: Uncertain significance (3); Likely benign (1). Last evaluated 2025-11-24.

Conditions:
Cardiovascular phenotype. Identifiers: MedGen CN230736.
Noonan syndrome 9 (NS9). Identifiers: Orphanet 648, MedGen C4225282, MONDO:0014691, OMIM 616559.

Allele frequency attached by ClinVar (database versions not stated): ExAC 0.00002.
gnomAD v4.1: 23 of 1,598,510 alleles (0.0014%); highest among the groups gnomAD compares: Middle Eastern, 0.066%; no homozygotes.

Submissions (4):

Labcorp Genetics (formerly Invitae), Labcorp
Classification: Likely benign for Noonan syndrome 9. Last evaluated: 2025-11-24. Review status: criteria provided, single submitter. Criteria: Invitae Variant Classification Sherloc (09022015). Collection method: clinical testing. Allele origin: germline.

Women's Health and Genetics/Laboratory Corporation of America, LabCorp
Classification: Uncertain significance. Last evaluated: 2025-10-08. Review status: criteria provided, single submitter. Criteria: LabCorp Variant Classification Summary - May 2015. Collection method: clinical testing. Allele origin: germline.
Comment: Variant summary: SOS2 c.2166A>T (p.Lys722Asn) results in a non-conservative amino acid change in the encoded protein sequence. Algorithms developed to predict the effect of missense changes on protein structure and function are either unavailable or do not agree on the potential impact of this missense change. The variant allele was found at a frequency of 3.2e-05 in 250520 control chromosomes. The available data on variant occurrences in the general population are insufficient to allow any conclusion about variant significance. To our knowledge, no occurrence of c.2166A>T in individuals affected with SOS2-related conditions and no experimental evidence demonstrating its impact on protein function have been reported. ClinVar contains an entry for this variant (Variation ID: 1392321). Based on the evidence outlined above, the variant was classified as uncertain significance.

Ambry Genetics
Classification: Uncertain significance for Cardiovascular phenotype. Last evaluated: 2025-02-01. Review status: criteria provided, single submitter. Criteria: Ambry Variant Classification Scheme 2023. Collection method: clinical testing. Allele origin: germline.
Comment: The p.K722N variant (also known as c.2166A>T), located in coding exon 14 of the SOS2 gene, results from an A to T substitution at nucleotide position 2166. The lysine at codon 722 is replaced by asparagine, an amino acid with similar properties. This amino acid position is conserved. In addition, this alteration is predicted to be tolerated by in silico analysis. Since supporting evidence is limited at this time, the clinical significance of this alteration remains unclear.

Genome-Nilou Lab
Classification: Uncertain significance for Noonan syndrome 9. Review status: criteria provided, single submitter. Criteria: ACMG Guidelines, 2015. Collection method: clinical testing. Allele origin: germline.

NM_006939.4(SOS2):c.2166A>T (p.Lys722Asn)

Gene: SOS2 (SOS Ras/Rho guanine nucleotide exchange factor 2; minus strand). Cytogenetic location: 14q21.3.
Variant type: single nucleotide variant.
Coding change: c.2166A>T on transcript NM_006939.4 (MANE Select); coding-DNA position 2166, A replaced by T.
Protein change: p.Lys722Asn; replaces lysine 722 with asparagine.
Molecular consequence: missense variant.
Genome position (GRCh38, 1-based): chr14:50,150,226, T>A on the plus strand (A>T on the coding strand, the complement: SOS2 is on the minus strand). VCF-style: chr14-50150226-T-A. GRCh37 (hg19) VCF-style: chr14-50616944-T-A.
Other names: short protein forms K722N.
Identifiers: ClinVar variation 1392321 (VCV001392321.9), dbSNP rs769787486, ClinGen allele CA7177100.